The following is an entry in ClinVar:

NC_000002.11:g.(?_26680908)_(26781439_?)del

Gene: OTOF (otoferlin; minus strand). Cytogenetic location: 2p23.3.
Variant type: Deletion.
Identifiers: ClinVar variation 3247605 (VCV003247605.1).

ClinVar aggregate classification (germline): Pathogenic (1 of 4 stars; one submission).

Submission:

Labcorp Genetics (formerly Invitae), Labcorp
Classification: Pathogenic. Last evaluated: 2023-05-27. Review status: criteria provided, single submitter. Criteria: Invitae Variant Classification Sherloc (09022015). Collection method: clinical testing. Allele origin: unknown.
Comment: For these reasons, this variant has been classified as Pathogenic. This variant has not been reported in the literature in individuals affected with OTOF-related conditions. A gross deletion of the genomic region encompassing the full coding sequence of the OTOF gene has been identified. Loss-of-function variants in OTOF are known to be pathogenic (PMID: 18381613, 19250381, 22575033). The boundaries of this event are unknown as they extend beyond the assayed region for this gene and therefore may encompass additional genes.

Literature cited by the submitters: PubMed 18381613; PubMed 19250381; PubMed 22575033.